The following is an entry in ClinVar:

ClinVar aggregate classification (germline): Uncertain significance (1 of 4 stars; one submission).

Allele frequency attached by ClinVar (database versions not stated): TOPMed below 0.00001.

Submission:

Labcorp Genetics (formerly Invitae), Labcorp
Classification: Uncertain significance. Last evaluated: 2023-08-04. Review status: criteria provided, single submitter. Criteria: Invitae Variant Classification Sherloc (09022015). Collection method: clinical testing. Allele origin: germline.
Comment: This sequence change replaces tyrosine, which is neutral and polar, with cysteine, which is neutral and slightly polar, at codon 88 of the ITM2B protein (p.Tyr88Cys). This variant is not present in population databases (gnomAD no frequency). This variant has not been reported in the literature in individuals affected with ITM2B-related conditions. ClinVar contains an entry for this variant (Variation ID: 1947339). Advanced modeling of protein sequence and biophysical properties (such as structural, functional, and spatial information, amino acid conservation, physicochemical variation, residue mobility, and thermodynamic stability) performed at Invitae indicates that this missense variant is not expected to disrupt ITM2B protein function. In summary, the available evidence is currently insufficient to determine the role of this variant in disease. Therefore, it has been classified as a Variant of Uncertain Significance.

NM_021999.5(ITM2B):c.263A>G (p.Tyr88Cys)

Gene: ITM2B (integral membrane protein 2B; plus strand). Cytogenetic location: 13q14.2.
Variant type: single nucleotide variant.
Coding change: c.263A>G on transcript NM_021999.5 (MANE Select); coding-DNA position 263, A replaced by G.
Protein change: p.Tyr88Cys; replaces tyrosine 88 with cysteine.
Molecular consequence: missense variant.
Genome position (GRCh38, 1-based): chr13:48,256,193, A>G. VCF-style: chr13-48256193-A-G. GRCh37 (hg19) VCF-style: chr13-48830329-A-G.
Other names: short protein forms Y88C.
Identifiers: ClinVar variation 1947339 (VCV001947339.5), dbSNP rs1951786356, ClinGen allele CA388251050.
Genomic context (GRCh38, chr13:48,256,193, plus strand): 5'-GTCTCATGCTGAATTGCTGAAATGAGTCTTTAAACTCTCTATAGCCAGATGACGTGTACT[A>G]CTGTGGAATAAAGTACATCAAAGATGATGTCATCTTAAATGAGCCCTCTGCAGATGCCCC-3'
Protein context (NP_068839.1, residues 78-98): YFALQPDDVY[Tyr88Cys]CGIKYIKDDV